The following is an entry in ClinVar:

NM_004360.5(CDH1):c.855A>G (p.Thr285=)

Gene: CDH1 (cadherin 1; plus strand). Cytogenetic location: 16q22.1.
Variant type: single nucleotide variant.
Coding change: c.855A>G on transcript NM_004360.5 (MANE Select); coding-DNA position 855, A replaced by G.
Protein change: p.Thr285=; no amino-acid change (threonine 285 retained).
Molecular consequence: synonymous variant. On other transcripts: 5 prime UTR variant (2).
Genome position (GRCh38, 1-based): chr16:68,811,706, A>G. VCF-style: chr16-68811706-A-G. GRCh37 (hg19) VCF-style: chr16-68845609-A-G.
Other names: c.855A>G, p.Thr285= (NM_001317184.2); c.-761A>G (NM_001317185.2); c.-965A>G (NM_001317186.2).
Identifiers: ClinVar variation 3379328 (VCV003379328.1).

ClinVar aggregate classification (germline): Benign (1 of 4 stars; one submission).

Conditions:
Hereditary diffuse gastric adenocarcinoma (HDGC). Also called: DIFFUSE GASTRIC AND LOBULAR BREAST CANCER SYNDROME. Identifiers: Orphanet 26106, MedGen C1708349, MONDO:0007648, OMIM 137215.

Submission:

Myriad Genetics, Inc.
Classification: Benign for Hereditary diffuse gastric adenocarcinoma. Last evaluated: 2024-09-16. Review status: criteria provided, single submitter. Criteria: Myriad Autosomal Dominant, Autosomal Recessive and X-Linked Classification Criteria (2023). Collection method: clinical testing. Allele origin: unknown.
Comment: This variant is considered benign. This variant is a silent/synonymous amino acid change and it is not expected to impact splicing.